The following is an entry in ClinVar:

ClinVar aggregate classification (germline): Pathogenic. Review status: criteria provided, single submitter (1 of 4 stars). 2 submissions from 2 submitters: Pathogenic (1). 1 of the submissions does not count toward it. Last evaluated 2023-05-19.

Conditions:
Waardenburg syndrome type 4C (WS4C). Also called: WAARDENBURG SYNDROME WITH HIRSCHSPRUNG DISEASE, TYPE 4C. Identifiers: Orphanet 897, MedGen C2750452, MONDO:0013202, OMIM 613266.

Submissions (2):

GeneDx
Classification: Pathogenic. Last evaluated: 2023-05-19. Review status: criteria provided, single submitter. Criteria: GeneDx Variant Classification Process June 2021. Collection method: clinical testing. Allele origin: germline. Affected: yes.
Comment: Published functional studies demonstrate a damaging effect on the transcriptional activity of SOX10 (Bondurand et al., 2000; Yokoyama et al., 2006; Hodonsky et al., 2012); Nonsense variant predicted to result in protein truncation or nonsense mediated decay in a gene for which loss of function is a known mechanism of disease; Not observed at significant frequency in large population cohorts (gnomAD); This variant is associated with the following publications: (PMID: 25525159, 9462749, 24086527, 29716548, 20444197, 15004559, 27821050, 21672228, 16921166, 22037207, 10942418, 29678855)

OMIM
Classification: Pathogenic for WAARDENBURG SYNDROME, TYPE 4C. Last evaluated: 1998-02-01. Review status: no assertion criteria provided. Collection method: literature only. Allele origin: germline. Not counted in ClinVar's aggregate classification.

Literature cited by the submitters: PubMed 9462749 (cited by OMIM).

NM_006941.4(SOX10):c.565G>T (p.Glu189Ter)

Genes: POLR2F (RNA polymerase II, I and III subunit F; plus strand), SOX10 (SRY-box transcription factor 10; minus strand). Cytogenetic location: 22q13.1.
Variant type: single nucleotide variant.
Coding change: c.565G>T on transcript NM_006941.4 (MANE Select); coding-DNA position 565, G replaced by T.
Protein change: p.Glu189Ter; replaces glutamic acid 189 with a stop codon.
Molecular consequence: nonsense. On other transcripts: intron variant (3).
Genome position (GRCh38, 1-based): chr22:37,977,999, C>A on the plus strand (G>T on the coding strand, the complement: SOX10 is on the minus strand). VCF-style: chr22-37977999-C-A. GRCh37 (hg19) VCF-style: chr22-38374006-C-A.
Other names: c.*38+5689C>A (NM_001363825.1); c.294-8155C>A (NM_001301130.2); c.293+10829C>A (NM_001301131.2); short protein forms E189*.
Identifiers: ClinVar variation 7393 (VCV000007393.4), dbSNP rs74315514, ClinGen allele CA118747.